The following is an entry in ClinVar:

ClinVar aggregate classification (germline): Uncertain significance. Review status: criteria provided, multiple submitters, no conflicts (2 of 4 stars). 2 submissions from 2 submitters: Uncertain significance (2). Last evaluated 2025-03-17.

Conditions:
Epilepsy, familial focal, with variable foci 3 (FFEVF3). Identifiers: MedGen C4310708, MONDO:0014925, OMIM 617118.

Submissions (2):

Labcorp Genetics (formerly Invitae), Labcorp
Classification: Uncertain significance for Epilepsy, familial focal, with variable foci 3. Last evaluated: 2025-03-17. Review status: criteria provided, single submitter. Criteria: Invitae Variant Classification Sherloc (09022015). Collection method: clinical testing. Allele origin: germline.
Comment: This sequence change replaces methionine, which is neutral and non-polar, with leucine, which is neutral and non-polar, at codon 335 of the NPRL3 protein (p.Met335Leu). This variant is not present in population databases (gnomAD no frequency). This variant has not been reported in the literature in individuals affected with NPRL3-related conditions. ClinVar contains an entry for this variant (Variation ID: 841458). Invitae Evidence Modeling of protein sequence and biophysical properties (such as structural, functional, and spatial information, amino acid conservation, physicochemical variation, residue mobility, and thermodynamic stability) indicates that this missense variant is not expected to disrupt NPRL3 protein function with a negative predictive value of 80%. In summary, the available evidence is currently insufficient to determine the role of this variant in disease. Therefore, it has been classified as a Variant of Uncertain Significance.

GeneDx
Classification: Uncertain significance. Last evaluated: 2019-07-05. Review status: criteria provided, single submitter. Criteria: GeneDx Variant Classification Process June 2021. Collection method: clinical testing. Allele origin: germline. Affected: yes.
Comment: Not observed in large population cohorts (Lek et al., 2016); In silico analysis, which includes protein predictors and evolutionary conservation, supports that this variant does not alter protein structure/function; Has not been previously published as pathogenic or benign to our knowledge

NM_001077350.3(NPRL3):c.1003A>T (p.Met335Leu)

Genes: HBA-LCR (alpha-globin locus control region; plus strand), NPRL3 (NPR3 like, GATOR1 complex subunit; minus strand). Cytogenetic location: 16p13.3.
Variant type: single nucleotide variant.
Coding change: c.1003A>T on transcript NM_001077350.3 (MANE Select); coding-DNA position 1003, A replaced by T.
Protein change: p.Met335Leu; replaces methionine 335 with leucine.
Molecular consequence: missense variant.
Genome position (GRCh38, 1-based): chr16:93,247, T>A on the plus strand (A>T on the coding strand, the complement: NPRL3 is on the minus strand). VCF-style: chr16-93247-T-A. GRCh37 (hg19) VCF-style: chr16-143245-T-A.
Other names: c.466A>T, p.Met156Leu (NM_001039476.3); c.769A>T, p.Met257Leu (NM_001243247.2); c.928A>T, p.Met310Leu (NM_001243248.2, NM_001243249.2); short protein forms M156L, M310L, M335L, M257L.
Identifiers: ClinVar variation 841458 (VCV000841458.11), dbSNP rs1405349026, ClinGen allele CA394053436.
Genomic context (GRCh38, chr16:93,247, plus strand): 5'-GGCTCCAGGCTCTGGCAGCCAGCAGCACTCACAGACATACGCTGGCATTGGGAGACAGCA[T>A]GTAGACGTTGTTCTCACACAGCGGGTAGATGATGATGGCCTTGCCCCAGTACACCAGATG-3'
Protein context (NP_001070818.1, residues 325-345): IYPLCENNVY[Met335Leu]LSPNASVCLY